The following is an entry in ClinVar:

NM_021871.4(FGA):c.1700T>G (p.Ile567Arg)

Gene: FGA (fibrinogen alpha chain; minus strand). Cytogenetic location: 4q31.3.
Variant type: single nucleotide variant.
Coding change: c.1700T>G on transcript NM_021871.4 (MANE Select); coding-DNA position 1700, T replaced by G.
Protein change: p.Ile567Arg; replaces isoleucine 567 with arginine.
Molecular consequence: missense variant.
Genome position (GRCh38, 1-based): chr4:154,585,729, A>C on the plus strand (T>G on the coding strand, the complement: FGA is on the minus strand). VCF-style: chr4-154585729-A-C. GRCh37 (hg19) VCF-style: chr4-155506881-A-C.
Other names: c.1700T>G, p.Ile567Arg (NM_000508.5); short protein forms I567R.
Identifiers: ClinVar variation 3366477 (VCV003366477.1).

ClinVar aggregate classification (germline): Uncertain significance (1 of 4 stars; one submission).

Submission:

Women's Health and Genetics/Laboratory Corporation of America, LabCorp
Classification: Uncertain significance. Last evaluated: 2024-08-06. Review status: criteria provided, single submitter. Criteria: LabCorp Variant Classification Summary - May 2015. Collection method: clinical testing. Allele origin: germline.
Comment: Variant summary: FGA c.1700T>G (p.Ile567Arg) results in a non-conservative amino acid change in the encoded protein sequence. Four of five in-silico tools predict a benign effect of the variant on protein function. The variant was absent in 251028 control chromosomes. The available data on variant occurrences in the general population are insufficient to allow any conclusion about variant significance. To our knowledge, no occurrence of c.1700T>G in individuals affected with Dysfibrinogenemia, Congenital and no experimental evidence demonstrating its impact on protein function have been reported. No submitters have cited clinical-significance assessments for this variant to ClinVar. Based on the evidence outlined above, the variant was classified as uncertain significance.